The following is an entry in ClinVar:

NM_014061.5(MAGEH1):c.644G>T (p.Gly215Val)

Gene: MAGEH1 (MAGE family member H1; plus strand). Cytogenetic location: Xp11.21.
Variant type: single nucleotide variant.
Coding change: c.644G>T on transcript NM_014061.5 (MANE Select); coding-DNA position 644, G replaced by T.
Protein change: p.Gly215Val; replaces glycine 215 with valine.
Molecular consequence: missense variant.
Genome position (GRCh38, 1-based): chrX:55,453,018, G>T. VCF-style: chrX-55453018-G-T. GRCh37 (hg19) VCF-style: chrX-55479451-G-T.
Other names: short protein forms G215V.
Identifiers: ClinVar variation 5023838 (VCV005023838.1).

ClinVar aggregate classification (germline): Uncertain significance (1 of 4 stars; one submission).

Submission:

Ambry Genetics
Classification: Uncertain significance. Last evaluated: 2026-07-14. Review status: criteria provided, single submitter. Criteria: Ambry Variant Classification Scheme 2023. Collection method: clinical testing. Allele origin: germline.
Comment: The c.644G>T (p.G215V) alteration is located in exon 1 (coding exon 1) of the MAGEH1 gene. This alteration results from a G to T substitution at nucleotide position 644, causing the glycine (G) at amino acid position 215 to be replaced by a valine (V). Based on data from gnomAD, the T allele has an overall frequency of <0.001% (0/181560) total alleles studied. The highest observed frequency was <0.001% (/) of alleles. Based on insufficient or conflicting evidence, the clinical significance of this alteration remains unclear.